The following is an entry in ClinVar:

NM_031924.8(RSPH3):c.-383T>G

Genes: RSPH3 (radial spoke head 3; minus strand), TAGAP-AS1 (TAGAP antisense RNA 1; plus strand). Cytogenetic location: 6q25.3.
Variant type: single nucleotide variant.
Coding change: c.-383T>G on transcript NM_031924.8 (MANE Select); 383 bases upstream of the start codon, T replaced by G.
Molecular consequence: 5 prime UTR variant. On other transcripts: missense variant (1), non-coding transcript variant (1).
Genome position (GRCh38, 1-based): chr6:158,999,933, A>C on the plus strand (T>G on the coding strand, the complement: RSPH3 is on the minus strand). VCF-style: chr6-158999933-A-C. GRCh37 (hg19) VCF-style: chr6-159420965-A-C.
Other names: c.44T>G (NM_031924.5); c.44T>G, p.Leu15Arg (NM_001346418.1); short protein forms L15R.
Identifiers: ClinVar variation 572130 (VCV000572130.6), dbSNP rs147256615, ClinGen allele CA4076124.

ClinVar aggregate classification (germline): Uncertain significance. Review status: criteria provided, multiple submitters, no conflicts (2 of 4 stars). 2 submissions from 2 submitters: Uncertain significance (2). Last evaluated 2025-01-20.

Conditions:
RSPH3-related disorder. Also called: RSPH3-related condition.
Primary ciliary dyskinesia 32. Also called: CILIARY DYSKINESIA, PRIMARY, 32, WITHOUT SITUS INVERSUS. Identifiers: Orphanet 244, MedGen C4225311, MONDO:0014657, OMIM 616481.

Allele frequency attached by ClinVar (database versions not stated): TOPMed 0.00060; 1000 Genomes Project 30x 0.00109; 1000 Genomes Project 0.00120; gnomAD exomes 0.00004 and 0.00013; ESP Exome Variant Server 0.00016; ExAC 0.00018; gnomAD 0.00056 and 0.00058.
gnomAD v4.1: 155 of 1,610,548 alleles (0.0096%); highest among the groups gnomAD compares: African/African-American, 0.17%; no homozygotes.

Submissions (2):

PreventionGenetics, part of Exact Sciences
Classification: Uncertain significance for RSPH3-related condition. Last evaluated: 2025-01-20. Review status: criteria provided, single submitter. Criteria: ACMG Guidelines, 2015. Collection method: clinical testing. Allele origin: germline.
Comment: The RSPH3 c.44T>G variant is predicted to result in the amino acid substitution p.Leu15Arg. To our knowledge, this variant has not been reported in the literature. This variant is reported in 0.15% of alleles in individuals of African descent in gnomAD. Although we suspect that this variant may be benign, at this time, the clinical significance of this variant is uncertain due to the absence of conclusive functional and genetic evidence.

Labcorp Genetics (formerly Invitae), Labcorp
Classification: Uncertain significance for Primary ciliary dyskinesia 32. Last evaluated: 2024-10-16. Review status: criteria provided, single submitter. Criteria: Invitae Variant Classification Sherloc (09022015). Collection method: clinical testing. Allele origin: germline.
Comment: This sequence change replaces leucine, which is neutral and non-polar, with arginine, which is basic and polar, at codon 15 of the RSPH3 protein (p.Leu15Arg). This variant is present in population databases (rs147256615, gnomAD 0.2%). This variant has not been reported in the literature in individuals affected with RSPH3-related conditions. ClinVar contains an entry for this variant (Variation ID: 572130). An algorithm developed to predict the effect of missense changes on protein structure and function outputs the following: PolyPhen-2: "Benign". The arginine amino acid residue is found in multiple mammalian species, which suggests that this missense change does not adversely affect protein function. In summary, the available evidence is currently insufficient to determine the role of this variant in disease. Therefore, it has been classified as a Variant of Uncertain Significance.